The following is an entry in ClinVar:

NM_138422.4(ADAT3):c.108G>C (p.Glu36Asp)

Genes: SCAMP4 (secretory carrier membrane protein 4; plus strand), ADAT3 (adenosine deaminase tRNA specific 3; plus strand). Cytogenetic location: 19p13.3.
Variant type: single nucleotide variant.
Coding change: c.108G>C on transcript NM_138422.4 (MANE Select); coding-DNA position 108, G replaced by C.
Protein change: p.Glu36Asp; replaces glutamic acid 36 with aspartic acid.
Molecular consequence: missense variant. On other transcripts: intron variant (3).
Genome position (GRCh38, 1-based): chr19:1,912,155, G>C. VCF-style: chr19-1912155-G-C. GRCh37 (hg19) VCF-style: chr19-1912154-G-C.
Other names: c.60G>C, p.Glu20Asp (NM_001329533.2); c.-41-2824G>C (NM_079834.4, NM_001329540.2); c.-125-5539G>C (NM_001329539.2); short protein forms E20D, E36D.
Identifiers: ClinVar variation 2502139 (VCV002502139.3), dbSNP rs771938043, ClinGen allele CA9054490.

ClinVar aggregate classification (germline): Uncertain significance. Review status: criteria provided, multiple submitters, no conflicts (2 of 4 stars). 2 submissions from 2 submitters: Uncertain significance (2). Last evaluated 2024-09-11.

Conditions:
Inborn genetic diseases. Identifiers: MedGen C0950123, MeSH D030342.

gnomAD v4.1: 127 of 1,568,450 alleles (0.0081%); highest among the groups gnomAD compares: Non-Finnish European, 0.01%; no homozygotes.

Submissions (2):

Ambry Genetics
Classification: Uncertain significance for Inborn genetic diseases. Last evaluated: 2024-09-11. Review status: criteria provided, single submitter. Criteria: Ambry Variant Classification Scheme 2023. Collection method: clinical testing. Allele origin: germline.

GeneDx
Classification: Uncertain significance. Last evaluated: 2022-11-09. Review status: criteria provided, single submitter. Criteria: GeneDx Variant Classification Process June 2021. Collection method: clinical testing. Allele origin: germline. Affected: yes.
Comment: In silico analysis supports that this missense variant does not alter protein structure/function; Has not been previously published as pathogenic or benign to our knowledge